The following is an entry in ClinVar:

ClinVar aggregate classification (germline): Uncertain significance (1 of 4 stars; one submission).

Conditions:
Intellectual disability, CASK-related, X-linked. Identifiers: MedGen CN043158.

Allele frequency attached by ClinVar (database versions not stated): gnomAD exomes below 0.00001.
gnomAD v4.1: 1 of 1,177,602 alleles (0.000085%); highest among the groups gnomAD compares: Non-Finnish European, 0.00012%; no homozygotes.

Submission:

Labcorp Genetics (formerly Invitae), Labcorp
Classification: Uncertain significance for Intellectual disability, CASK-related, X-linked. Last evaluated: 2023-12-30. Review status: criteria provided, single submitter. Criteria: Invitae Variant Classification Sherloc (09022015). Collection method: clinical testing. Allele origin: germline.
Comment: This sequence change replaces alanine, which is neutral and non-polar, with threonine, which is neutral and polar, at codon 311 of the CASK protein (p.Ala311Thr). This variant is not present in population databases (gnomAD no frequency). This variant has not been reported in the literature in individuals affected with CASK-related conditions. Advanced modeling of protein sequence and biophysical properties (such as structural, functional, and spatial information, amino acid conservation, physicochemical variation, residue mobility, and thermodynamic stability) has been performed at Invitae for this missense variant, however the output from this modeling did not meet the statistical confidence thresholds required to predict the impact of this variant on CASK protein function. In summary, the available evidence is currently insufficient to determine the role of this variant in disease. Therefore, it has been classified as a Variant of Uncertain Significance.

NM_001367721.1(CASK):c.931G>A (p.Ala311Thr)

Gene: CASK (calcium/calmodulin dependent serine protein kinase; minus strand). Cytogenetic location: Xp11.4.
Variant type: single nucleotide variant.
Coding change: c.931G>A on transcript NM_001367721.1 (MANE Select); coding-DNA position 931, G replaced by A.
Protein change: p.Ala311Thr; replaces alanine 311 with threonine.
Molecular consequence: missense variant.
Genome position (GRCh38, 1-based): chrX:41,626,688, C>T on the plus strand (G>A on the coding strand, the complement: CASK is on the minus strand). VCF-style: chrX-41626688-C-T. GRCh37 (hg19) VCF-style: chrX-41485941-C-T.
Other names: c.931G>A, p.Ala311Thr (NM_001126054.3, NM_001126055.3, NM_001410745.1 and 1 more transcripts); short protein forms A311T.
Identifiers: ClinVar variation 2699628 (VCV002699628.3), dbSNP rs2519038111, ClinGen allele CA412994092.